The following is an entry in ClinVar:

NM_198253.3(TERT):c.2834A>T (p.Asp945Val)

Gene: TERT (telomerase reverse transcriptase; minus strand). Cytogenetic location: 5p15.33.
Variant type: single nucleotide variant.
Coding change: c.2834A>T on transcript NM_198253.3 (MANE Select); coding-DNA position 2834, A replaced by T.
Protein change: p.Asp945Val; replaces aspartic acid 945 with valine.
Molecular consequence: missense variant. On other transcripts: intron variant (1).
Genome position (GRCh38, 1-based): chr5:1,264,413, T>A on the plus strand (A>T on the coding strand, the complement: TERT is on the minus strand). VCF-style: chr5-1264413-T-A. GRCh37 (hg19) VCF-style: chr5-1264528-T-A.
Other names: c.2834A>T, p.Asp945Val (NM_003219.1); c.2654+2051A>T (NM_001193376.3); short protein forms D945V.
Identifiers: ClinVar variation 1796622 (VCV001796622.2), dbSNP rs2478152466, ClinGen allele CA359071407.

ClinVar aggregate classification (germline): Uncertain significance (1 of 4 stars; one submission).

Conditions:
Dyskeratosis congenita. Identifiers: Orphanet 1775, MedGen C0265965, MONDO:0015780.

Submission:

Ambry Genetics
Classification: Uncertain significance for Dyskeratosis congenita. Last evaluated: 2015-01-27. Review status: criteria provided, single submitter. Criteria: Ambry Variant Classification Scheme 2023. Collection method: clinical testing. Allele origin: germline.
Comment: The p.D945V variant (also known as c.2834A>T), located in coding exon 11 of the TERT gene, results from an A to T substitution at nucleotide position 2834. The aspartic acid at codon 945 is replaced by valine, an amino acid with highly dissimilar properties. This variant was not reported in population based cohorts in the following databases: Database of Single Nucleotide Polymorphisms (dbSNP), NHLBI Exome Sequencing Project (ESP), and 1000 Genomes Project. In the ESP, this variant was not observed in 6237 samples (12474 alleles) with coverage at this position. This amino acid position is well conserved in available vertebrate species.In addition, this alteration is predicted to be deleterious by in silico analysis. Since clinical data on this variant is limited at this time, its clinical significance is unclear.